The following is an entry in ClinVar:

NM_001267550.2(TTN):c.107947A>C (p.Thr35983Pro)

Genes: TTN (titin; minus strand), TTN-AS1 (TTN antisense RNA 1; plus strand). Cytogenetic location: 2q31.2.
Variant type: single nucleotide variant.
Coding change: c.107947A>C on transcript NM_001267550.2 (MANE Select); coding-DNA position 107947, A replaced by C.
Protein change: p.Thr35983Pro; replaces threonine 35983 with proline.
Molecular consequence: missense variant.
Genome position (GRCh38, 1-based): chr2:178,527,041, T>G on the plus strand (A>C on the coding strand, the complement: TTN is on the minus strand). VCF-style: chr2-178527041-T-G. GRCh37 (hg19) VCF-style: chr2-179391768-T-G.
Other names: c.103024A>C, p.Thr34342Pro (NM_001256850.1); c.100243A>C, p.Thr33415Pro (NM_133378.4); c.81127A>C, p.Thr27043Pro (NM_133432.3); c.81328A>C, p.Thr27110Pro (NM_133437.4); c.80752A>C, p.Thr26918Pro (NM_003319.4); short protein forms T26918P, T33415P, T27043P, T27110P, T34342P, T35983P.
Identifiers: ClinVar variation 2924459 (VCV002924459.3), dbSNP rs764418855, ClinGen allele CA1984855.

ClinVar aggregate classification (germline): Uncertain significance (1 of 4 stars; one submission).

Conditions:
Dilated cardiomyopathy 1G (CMD1G). Identifiers: Orphanet 154, MedGen C1858763, MONDO:0011400, OMIM 604145.
Autosomal recessive limb-girdle muscular dystrophy type 2J (LGMDR10). Also called: Limb-girdle muscular dystrophy, type 2J; MUSCULAR DYSTROPHY, LIMB-GIRDLE, AUTOSOMAL RECESSIVE 10. Identifiers: Orphanet 140922, MedGen C1837342, MONDO:0012127, OMIM 608807.

Allele frequency attached by ClinVar (database versions not stated): ExAC 0.00002.
gnomAD v4.1: 7 of 1,613,748 alleles (0.00043%); highest among the groups gnomAD compares: Admixed American, 0.0017%; no homozygotes.

Submission:

Labcorp Genetics (formerly Invitae), Labcorp
Classification: Uncertain significance for Dilated cardiomyopathy 1G; Autosomal recessive limb-girdle muscular dystrophy type 2J. Last evaluated: 2025-01-27. Review status: criteria provided, single submitter. Criteria: Invitae Variant Classification Sherloc (09022015). Collection method: clinical testing. Allele origin: germline.
Comment: This sequence change replaces threonine, which is neutral and polar, with proline, which is neutral and non-polar, at codon 35983 of the TTN protein (p.Thr35983Pro). This variant is present in population databases (rs764418855, gnomAD 0.002%). This variant has not been reported in the literature in individuals affected with TTN-related conditions. ClinVar contains an entry for this variant (Variation ID: 2924459). Experimental studies and prediction algorithms are not available or were not evaluated, and the functional significance of this variant is currently unknown. This variant is located in the M band of TTN (PMID: 25589632). Non-truncating variants in this region may be relevant for neuromuscular disorders, but have not been definitively shown to cause cardiomyopathy (PMID: 23975875). In summary, the available evidence is currently insufficient to determine the role of this variant in disease. Therefore, it has been classified as a Variant of Uncertain Significance.

Literature cited by the submitters: PubMed 25589632; PubMed 23975875.